The following is an entry in ClinVar:

ClinVar aggregate classification (germline): Likely pathogenic (1 of 4 stars; one submission).

Conditions:
Generalized juvenile polyposis/juvenile polyposis coli. Also called: Juvenile polyposis coli. Identifiers: Orphanet 329971, MedGen C1868081, MONDO:0008276.

Submission:

Human Genome Sequencing Center Clinical Lab, Baylor College of Medicine
Classification: Likely pathogenic for Juvenile polyposis syndrome. Last evaluated: 2019-12-13. Review status: criteria provided, single submitter. Criteria: ACMG Guidelines, 2015. Collection method: clinical testing. Allele origin: germline. Affected: yes.
Comment: This c.1533delA frameshift variant leads to a premature translational stop signal (p.Arg511Serfs*5) in exon 13 of the BMPR1A gene. Though this variant occurs in the last exon of the gene and is not expected to result in nonsense mediated decay, it is predicted to cause loss of normal protein function through protein truncation. Other truncating variants in this final exon of BMPR1A have been reported in association with juvenile polyposis syndrome in ClinVar. This variant is not present in population databases (gnomAD). Therefore, this c.1533delA variant is classified as likely pathogenic.

NM_004329.3(BMPR1A):c.1533del (p.Arg511fs)

Gene: BMPR1A (bone morphogenetic protein receptor type 1A; plus strand). Cytogenetic location: 10q23.2.
Variant type: Deletion.
Coding change: c.1533del on transcript NM_004329.3 (MANE Select); coding-DNA position 1533, one base deleted (A; older notation c.1533delA).
Protein change: p.Arg511fs; shifts the reading frame from arginine 511.
Molecular consequence: frameshift variant.
Genome position (GRCh38, 1-based): chr10:86,923,653, A deleted. VCF-style (leftmost placement, unchanged base first): chr10-86923652-GA-G. GRCh37 (hg19) VCF-style: chr10-88683409-GA-G.
Other names: short protein forms R511fs.
Identifiers: ClinVar variation 979071 (VCV000979071.1), dbSNP rs1843700160, ClinGen allele CA1139661566.